The following is an entry in ClinVar:

NM_005235.3(ERBB4):c.1427C>T (p.Thr476Ile)

Gene: ERBB4 (erb-b2 receptor tyrosine kinase 4; minus strand). Cytogenetic location: 2q34.
Variant type: single nucleotide variant.
Coding change: c.1427C>T on transcript NM_005235.3 (MANE Select); coding-DNA position 1427, C replaced by T.
Protein change: p.Thr476Ile; replaces threonine 476 with isoleucine.
Molecular consequence: missense variant.
Genome position (GRCh38, 1-based): chr2:211,702,029, G>A on the plus strand (C>T on the coding strand, the complement: ERBB4 is on the minus strand). VCF-style: chr2-211702029-G-A. GRCh37 (hg19) VCF-style: chr2-212566754-G-A.
Other names: c.1427C>T, p.Thr476Ile (NM_001042599.2); short protein forms T476I.
Identifiers: ClinVar variation 2710951 (VCV002710951.3), dbSNP rs779654769, ClinGen allele CA2088136.

ClinVar aggregate classification (germline): Uncertain significance (1 of 4 stars; one submission).

Allele frequency attached by ClinVar (database versions not stated): gnomAD exomes below 0.00001; TOPMed below 0.00001; ExAC 0.00001.
gnomAD v4.1: 5 of 1,614,010 alleles (0.00031%); highest among the groups gnomAD compares: South Asian, 0.0033%; no homozygotes.

Submission:

Labcorp Genetics (formerly Invitae), Labcorp
Classification: Uncertain significance. Last evaluated: 2024-01-24. Review status: criteria provided, single submitter. Criteria: Invitae Variant Classification Sherloc (09022015). Collection method: clinical testing. Allele origin: germline.
Comment: This sequence change replaces threonine, which is neutral and polar, with isoleucine, which is neutral and non-polar, at codon 476 of the ERBB4 protein (p.Thr476Ile). This variant is present in population databases (rs779654769, gnomAD 0.003%). This variant has not been reported in the literature in individuals affected with ERBB4-related conditions. Advanced modeling of protein sequence and biophysical properties (such as structural, functional, and spatial information, amino acid conservation, physicochemical variation, residue mobility, and thermodynamic stability) performed at Invitae indicates that this missense variant is not expected to disrupt ERBB4 protein function with a negative predictive value of 80%. In summary, the available evidence is currently insufficient to determine the role of this variant in disease. Therefore, it has been classified as a Variant of Uncertain Significance.